The following is an entry in ClinVar:

ClinVar aggregate classification (germline): Pathogenic (1 of 4 stars; one submission).

Submission:

Labcorp Genetics (formerly Invitae), Labcorp
Classification: Pathogenic. Last evaluated: 2021-07-09. Review status: criteria provided, single submitter. Criteria: Invitae Variant Classification Sherloc (09022015). Collection method: clinical testing. Allele origin: germline.
Comment: For these reasons, this variant has been classified as Pathogenic. This variant has not been reported in the literature in individuals affected with TMPRSS3-related conditions. This variant is not present in population databases (ExAC no frequency). This sequence change creates a premature translational stop signal (p.Ala33Glnfs*14) in the TMPRSS3 gene. It is expected to result in an absent or disrupted protein product. Loss-of-function variants in TMPRSS3 are known to be pathogenic (PMID: 16021470, 26969326).

Literature cited by the submitters: PubMed 16021470; PubMed 26969326.

NM_001256317.3(TMPRSS3):c.97del (p.Ala33fs)

Gene: TMPRSS3 (transmembrane serine protease 3; minus strand). Cytogenetic location: 21q22.3.
Variant type: Deletion.
Coding change: c.97del on transcript NM_001256317.3 (MANE Select); coding-DNA position 97, one base deleted (G; older notation c.97delG).
Protein change: p.Ala33fs; shifts the reading frame from alanine 33.
Molecular consequence: frameshift variant.
Genome position (GRCh38, 1-based): chr21:42,390,035, C deleted on the plus strand (G on the coding strand, the reverse complement: TMPRSS3 is on the minus strand). VCF-style (leftmost placement, unchanged base first): chr21-42390034-GC-G. GRCh37 (hg19) VCF-style: chr21-43810143-GC-G.
Other names: c.97del, p.Ala33fs (NM_024022.4, NM_032405.2); short protein forms A33fs.
Identifiers: ClinVar variation 1454077 (VCV001454077.6), dbSNP rs2146452576, ClinGen allele CA2573157436.